The following is an entry in ClinVar:

ClinVar aggregate classification (germline): Uncertain significance (1 of 4 stars; one submission).

Conditions:
Cardiovascular phenotype. Identifiers: MedGen CN230736.

Submission:

Ambry Genetics
Classification: Uncertain significance for Cardiovascular phenotype. Last evaluated: 2025-05-06. Review status: criteria provided, single submitter. Criteria: Ambry Variant Classification Scheme 2023. Collection method: clinical testing. Allele origin: germline.
Comment: The p.T128K variant (also known as c.383C>A), located in coding exon 2 of the JPH2 gene, results from a C to A substitution at nucleotide position 383. The threonine at codon 128 is replaced by lysine, an amino acid with similar properties. This amino acid position is conserved. In addition, the in silico prediction for this alteration is inconclusive. Based on the available evidence, the clinical significance of this variant remains unclear.

NM_020433.5(JPH2):c.383C>A (p.Thr128Lys)

Gene: JPH2 (junctophilin 2; minus strand). Cytogenetic location: 20q13.12.
Variant type: single nucleotide variant.
Coding change: c.383C>A on transcript NM_020433.5 (MANE Select); coding-DNA position 383, C replaced by A.
Protein change: p.Thr128Lys; replaces threonine 128 with lysine.
Molecular consequence: missense variant.
Genome position (GRCh38, 1-based): chr20:44,160,404, G>T on the plus strand (C>A on the coding strand, the complement: JPH2 is on the minus strand). VCF-style: chr20-44160404-G-T. GRCh37 (hg19) VCF-style: chr20-42789044-G-T.
Other names: short protein forms T128K.
Identifiers: ClinVar variation 4040907 (VCV004040907.1).
Genomic context (GRCh38, chr20:44,160,404, plus strand): 5'-GGCACGCTCTGGCGTACTCCGTAGCCATGGCGCATGCCGTTGGTGAACTGGCCTTGGTAC[G>T]TCCCTGCGGGCGAGGAGAGGGCGCGTCAGTAGGCGGCACGACGGGTCCCCGCGTGTGCAC-3'
Protein context (NP_065166.2, residues 118-138): YGTETYADGG[Thr128Lys]YQGQFTNGMR